The following is an entry in ClinVar:

ClinVar aggregate classification (germline): Uncertain significance. Review status: criteria provided, multiple submitters, no conflicts (2 of 4 stars). 2 submissions from 2 submitters: Uncertain significance (2). Last evaluated 2026-04-24.

Conditions:
PHIP-related disorder. Also called: PHIP-related condition; PHIP-related disorders.

Allele frequency attached by ClinVar (database versions not stated): gnomAD exomes below 0.00001.
gnomAD v4.1: 1 of 1,613,520 alleles (0.000062%); no homozygotes.

Submissions (2):

GeneDx
Classification: Uncertain significance. Last evaluated: 2026-04-24. Review status: criteria provided, single submitter. Criteria: GeneDx Variant Classification Process June 2021. Collection method: clinical testing. Allele origin: germline.
Comment: Not observed at significant frequency in large population cohorts (gnomAD); In silico analysis suggests that this missense variant does not alter protein structure/function; Has not been previously published as pathogenic or benign to our knowledge

PreventionGenetics, part of Exact Sciences
Classification: Uncertain significance for PHIP-related condition. Last evaluated: 2023-07-26. Review status: criteria provided, single submitter. Criteria: ACMG Guidelines, 2015. Collection method: clinical testing. Allele origin: germline.
Comment: The PHIP c.3118A>G variant is predicted to result in the amino acid substitution p.Met1040Val. To our knowledge, this variant has not been reported in the literature or in a large population database, indicating this variant is rare. At this time, the clinical significance of this variant is uncertain due to the absence of conclusive functional and genetic evidence.

NM_017934.7(PHIP):c.3118A>G (p.Met1040Val)

Genes: IRAK1BP1 (interleukin 1 receptor associated kinase 1 binding protein 1; plus strand), PHIP (PHIP subunit of CUL4-Ring ligase complex; minus strand). Cytogenetic location: 6q14.1.
Variant type: single nucleotide variant.
Coding change: c.3118A>G on transcript NM_017934.7 (MANE Select); coding-DNA position 3118, A replaced by G.
Protein change: p.Met1040Val; replaces methionine 1040 with valine.
Molecular consequence: missense variant.
Genome position (GRCh38, 1-based): chr6:78,970,053, T>C on the plus strand (A>G on the coding strand, the complement: PHIP is on the minus strand). VCF-style: chr6-78970053-T-C. GRCh37 (hg19) VCF-style: chr6-79679770-T-C.
Other names: c.3118A>G (NM_017934.5); short protein forms M1040V.
Identifiers: ClinVar variation 2631822 (VCV002631822.2), dbSNP rs2481894172, ClinGen allele CA364647786.